The following is an entry in ClinVar:

NM_000069.3(CACNA1S):c.2372T>C (p.Leu791Pro)

Gene: CACNA1S (calcium voltage-gated channel subunit alpha1 S; minus strand). Cytogenetic location: 1q32.1.
Variant type: single nucleotide variant.
Coding change: c.2372T>C on transcript NM_000069.3 (MANE Select); coding-DNA position 2372, T replaced by C.
Protein change: p.Leu791Pro; replaces leucine 791 with proline.
Molecular consequence: missense variant.
Genome position (GRCh38, 1-based): chr1:201,069,590, A>G on the plus strand (T>C on the coding strand, the complement: CACNA1S is on the minus strand). VCF-style: chr1-201069590-A-G. GRCh37 (hg19) VCF-style: chr1-201038718-A-G.
Other names: short protein forms L791P.
Identifiers: ClinVar variation 4758231 (VCV004758231.1).

ClinVar aggregate classification (germline): Uncertain significance (1 of 4 stars; one submission).

Conditions:
Malignant hyperthermia, susceptibility to, 5 (MHS5). Also called: CACNA1S-Related Malignant Hyperthermia Susceptibility. Identifiers: Orphanet 423, MedGen C1866077, MONDO:0011163, OMIM 601887.

Submission:

Color Diagnostics, LLC DBA Color Health
Classification: Uncertain significance for Malignant hyperthermia, susceptibility to, 5. Last evaluated: 2025-10-03. Review status: criteria provided, single submitter. Criteria: ACMG Guidelines, 2015. Collection method: clinical testing. Allele origin: germline.
Comment: This missense variant replaces leucine with proline at codon 791 of the CACNA1S protein. Computational prediction suggests that this variant may have deleterious impact on protein structure and function. To our knowledge, functional studies have not been reported for this variant. This variant has not been reported in individuals affected with CACNA1S-related disorders in the literature. This variant has not been identified in the general population by the Genome Aggregation Database (gnomAD). The available evidence is insufficient to determine the role of this variant in disease conclusively. Therefore, this variant is classified as a Variant of Uncertain Significance.